The following is an entry in ClinVar:

NM_030762.3(BHLHE41):c.1140G>A (p.Ala380=)

Genes: BHLHE41 (basic helix-loop-helix family member e41; minus strand), SSPN (sarcospan; plus strand). Cytogenetic location: 12p12.1.
Variant type: single nucleotide variant.
Coding change: c.1140G>A on transcript NM_030762.3 (MANE Select); coding-DNA position 1140, G replaced by A.
Protein change: p.Ala380=; no amino-acid change (alanine 380 retained).
Molecular consequence: synonymous variant.
Genome position (GRCh38, 1-based): chr12:26,122,375, C>T on the plus strand (G>A on the coding strand, the complement: BHLHE41 is on the minus strand). VCF-style: chr12-26122375-C-T. GRCh37 (hg19) VCF-style: chr12-26275308-C-T.
Identifiers: ClinVar variation 3351167 (VCV003351167.1).

ClinVar aggregate classification (germline): Likely benign (0 of 4 stars; one submission).

Conditions:
BHLHE41-related disorder. Also called: BHLHE41-related condition.

Submission:

PreventionGenetics, part of Exact Sciences
Classification: Likely benign for BHLHE41-related condition. Last evaluated: 2024-05-10. Review status: no assertion criteria provided. Collection method: clinical testing. Allele origin: germline.
Comment: This variant is classified as likely benign based on ACMG/AMP sequence variant interpretation guidelines (Richards et al. 2015 PMID: 25741868, with internal and published modifications).